The following is an entry in ClinVar:

NM_020921.4(NIN):c.371C>T (p.Thr124Met)

Gene: NIN (ninein; minus strand). Cytogenetic location: 14q22.1.
Variant type: single nucleotide variant.
Coding change: c.371C>T on transcript NM_020921.4 (MANE Select); coding-DNA position 371, C replaced by T.
Protein change: p.Thr124Met; replaces threonine 124 with methionine.
Molecular consequence: missense variant.
Genome position (GRCh38, 1-based): chr14:50,792,776, G>A on the plus strand (C>T on the coding strand, the complement: NIN is on the minus strand). VCF-style: chr14-50792776-G-A. GRCh37 (hg19) VCF-style: chr14-51259494-G-A.
Other names: c.371C>T, p.Thr124Met (NM_016350.5, NM_182944.3, NM_182946.2); short protein forms T124M.
Identifiers: ClinVar variation 3713709 (VCV003713709.2).

ClinVar aggregate classification (germline): Uncertain significance (1 of 4 stars; one submission).

gnomAD v4.1: 60 of 1,614,022 alleles (0.0037%); highest among the groups gnomAD compares: Middle Eastern, 0.049%; no homozygotes.

Submission:

Labcorp Genetics (formerly Invitae), Labcorp
Classification: Uncertain significance. Last evaluated: 2024-05-20. Review status: criteria provided, single submitter. Criteria: Invitae Variant Classification Sherloc (09022015). Collection method: clinical testing. Allele origin: germline.
Comment: This sequence change replaces threonine, which is neutral and polar, with methionine, which is neutral and non-polar, at codon 124 of the NIN protein (p.Thr124Met). This variant is present in population databases (rs200932073, gnomAD 0.009%). This variant has not been reported in the literature in individuals affected with NIN-related conditions. An algorithm developed to predict the effect of missense changes on protein structure and function (PolyPhen-2) suggests that this variant is likely to be disruptive. In summary, the available evidence is currently insufficient to determine the role of this variant in disease. Therefore, it has been classified as a Variant of Uncertain Significance.